The following is an entry in ClinVar:

NM_006440.5(TXNRD2):c.214G>A (p.Glu72Lys)

Gene: TXNRD2 (thioredoxin reductase 2; minus strand). Cytogenetic location: 22q11.21.
Variant type: single nucleotide variant.
Coding change: c.214G>A on transcript NM_006440.5 (MANE Select); coding-DNA position 214, G replaced by A.
Protein change: p.Glu72Lys; replaces glutamic acid 72 with lysine.
Molecular consequence: missense variant. On other transcripts: 5 prime UTR variant (1).
Genome position (GRCh38, 1-based): chr22:19,919,558, C>T on the plus strand (G>A on the coding strand, the complement: TXNRD2 is on the minus strand). VCF-style: chr22-19919558-C-T. GRCh37 (hg19) VCF-style: chr22-19907081-C-T.
Other names: c.214G>A, p.Glu72Lys (NM_001282512.3); c.211G>A, p.Glu71Lys (NM_001352300.2); c.124G>A, p.Glu42Lys (NM_001352301.2); c.-75G>A (NM_001352302.2); c.118G>A, p.Glu40Lys (NM_001352303.2); short protein forms E72K, E42K, E40K, E71K.
Identifiers: ClinVar variation 570724 (VCV000570724.12), dbSNP rs779740988, ClinGen allele CA10104299.

ClinVar aggregate classification (germline): Uncertain significance. Review status: criteria provided, multiple submitters, no conflicts (2 of 4 stars). 2 submissions from 2 submitters: Uncertain significance (2). Last evaluated 2025-07-27.

Conditions:
Primary dilated cardiomyopathy (DCM). Also called: Dilated Cardiomyopathy. Identifiers: Orphanet 217604, MedGen C0007193, MeSH D002311, MONDO:0005021, HP:0001644. Inheritance: Various modes of inheritance.
Cardiovascular phenotype. Identifiers: MedGen CN230736.

Allele frequency attached by ClinVar (database versions not stated): gnomAD exomes 0.00001; gnomAD 0.00002; TOPMed 0.00002; ExAC 0.00004.
gnomAD v4.1: 25 of 1,562,430 alleles (0.0016%); highest among the groups gnomAD compares: African/African-American, 0.0068%; no homozygotes.

Submissions (2):

Labcorp Genetics (formerly Invitae), Labcorp
Classification: Uncertain significance for Primary dilated cardiomyopathy. Last evaluated: 2025-07-27. Review status: criteria provided, single submitter. Criteria: Invitae Variant Classification Sherloc (09022015). Collection method: clinical testing. Allele origin: germline.
Comment: This sequence change replaces glutamic acid, which is acidic and polar, with lysine, which is basic and polar, at codon 72 of the TXNRD2 protein (p.Glu72Lys). The frequency data for this variant in the population databases is considered unreliable, as metrics indicate poor data quality at this position in the gnomAD database. This variant has not been reported in the literature in individuals affected with TXNRD2-related conditions. ClinVar contains an entry for this variant (Variation ID: 570724). An algorithm developed to predict the effect of missense changes on protein structure and function (PolyPhen-2) suggests that this variant is likely to be tolerated. In summary, the available evidence is currently insufficient to determine the role of this variant in disease. Therefore, it has been classified as a Variant of Uncertain Significance.

Ambry Genetics
Classification: Uncertain significance for Cardiovascular phenotype. Last evaluated: 2023-10-25. Review status: criteria provided, single submitter. Criteria: Ambry Variant Classification Scheme 2023. Collection method: clinical testing. Allele origin: germline.